The following is an entry in ClinVar:

NM_020376.4(PNPLA2):c.851C>T (p.Ala284Val)

Gene: PNPLA2 (patatin like domain 2, triacylglycerol lipase; plus strand). Cytogenetic location: 11p15.5.
Variant type: single nucleotide variant.
Coding change: c.851C>T on transcript NM_020376.4 (MANE Select); coding-DNA position 851, C replaced by T.
Protein change: p.Ala284Val; replaces alanine 284 with valine.
Molecular consequence: missense variant.
Genome position (GRCh38, 1-based): chr11:823,787, C>T. VCF-style: chr11-823787-C-T. GRCh37 (hg19) VCF-style: chr11-823787-C-T.
Other names: short protein forms A284V.
Identifiers: ClinVar variation 4705332 (VCV004705332.1).

ClinVar aggregate classification (germline): Uncertain significance (1 of 4 stars; one submission).

Conditions:
Neutral lipid storage myopathy (NLSDM). Also called: NEUTRAL LIPID STORAGE DISEASE WITHOUT ICHTHYOSIS. Identifiers: Orphanet 98908, MedGen C1853136, MONDO:0012545, OMIM 610717.

Submission:

Labcorp Genetics (formerly Invitae), Labcorp
Classification: Uncertain significance for Neutral lipid storage myopathy. Last evaluated: 2025-11-12. Review status: criteria provided, single submitter. Criteria: Invitae Variant Classification Sherloc (09022015). Collection method: clinical testing. Allele origin: germline.
Comment: This sequence change replaces alanine, which is neutral and non-polar, with valine, which is neutral and non-polar, at codon 284 of the PNPLA2 protein (p.Ala284Val). This variant is not present in population databases (gnomAD no frequency). This variant has not been reported in the literature in individuals affected with PNPLA2-related conditions. Invitae Evidence Modeling of protein sequence and biophysical properties (such as structural, functional, and spatial information, amino acid conservation, physicochemical variation, residue mobility, and thermodynamic stability) indicates that this missense variant is not expected to disrupt PNPLA2 protein function with a negative predictive value of 80%. In summary, the available evidence is currently insufficient to determine the role of this variant in disease. Therefore, it has been classified as a Variant of Uncertain Significance.